The following is an entry in ClinVar:

NM_018127.7(ELAC2):c.2130C>T (p.Ser710=)

Gene: ELAC2 (elaC ribonuclease Z 2; minus strand). Cytogenetic location: 17p12.
Variant type: single nucleotide variant.
Coding change: c.2130C>T on transcript NM_018127.7 (MANE Select); coding-DNA position 2130, C replaced by T.
Protein change: p.Ser710=; no amino-acid change (serine 710 retained).
Molecular consequence: synonymous variant.
Genome position (GRCh38, 1-based): chr17:12,993,810, G>A on the plus strand (C>T on the coding strand, the complement: ELAC2 is on the minus strand). VCF-style: chr17-12993810-G-A. GRCh37 (hg19) VCF-style: chr17-12897127-G-A.
Other names: p.Ser710=; c.2010C>T, p.Ser670= (NM_001165962.2); c.2127C>T, p.Ser709= (NM_173717.2); c.2010C>T (NM_001165962.1).
Identifiers: ClinVar variation 381413 (VCV000381413.13), dbSNP rs7217826, ClinGen allele CA8400909.
Genomic context (GRCh38, chr17:12,993,810, plus strand): 5'-GGCATAGCGCTGGCTGAAGTGGTTCAGCATAATGAACTCCGCGTTCATCCGCATCCCCAC[G>A]CTGATGGCTTGGGACGTTGTGCTGCAGGTGAAGGACAGAGCAGACTGAAGCTGAACTCAA-3'
Protein context (NP_060597.4, residues 700-720): KTHSTTSQAI[Ser710=]VGMRMNAEFI

ClinVar aggregate classification (germline): Benign. Review status: criteria provided, multiple submitters, no conflicts (2 of 4 stars). 5 submissions from 5 submitters: Benign (5). Last evaluated 2026-02-03.

Conditions:
Prostate cancer, hereditary, 2 (HPC2). Identifiers: Orphanet 1331, MedGen C3539120, MONDO:0013872, OMIM 614731.
Combined oxidative phosphorylation defect type 17. Also called: Combined oxidative phosphorylation deficiency 17. Identifiers: Orphanet 369913, MedGen C3809526, MONDO:0014190, OMIM 615440.

Allele frequency attached by ClinVar (database versions not stated): gnomAD exomes 0.00539; ExAC 0.00644; gnomAD 0.01974 and 0.02093; ESP Exome Variant Server 0.02145; TOPMed 0.02237; 1000 Genomes Project 0.02576; 1000 Genomes Project 30x 0.02748.
gnomAD v4.1: 6,011 of 1,614,156 alleles (0.37%); highest among the groups gnomAD compares: African/African-American, 6.9%; 181 homozygotes.

Submissions (5):

Labcorp Genetics (formerly Invitae), Labcorp
Classification: Benign for Combined oxidative phosphorylation defect type 17. Last evaluated: 2026-02-03. Review status: criteria provided, single submitter. Criteria: Invitae Variant Classification Sherloc (09022015). Collection method: clinical testing. Allele origin: germline.

KCCC/NGS Laboratory, Kuwait Cancer Control Center
Classification: Benign for Prostate cancer, hereditary, 2. Last evaluated: 2023-07-07. Review status: criteria provided, single submitter. Criteria: ACMG Guidelines, 2015. Collection method: clinical testing. Allele origin: germline. Affected: yes.

Mayo Clinic Laboratories, Mayo Clinic
Classification: Benign. Last evaluated: 2023-02-20. Review status: criteria provided, single submitter. Criteria: ACMG Guidelines, 2015. Collection method: clinical testing. Allele origin: germline. Observed: 23 variant alleles.

GeneDx
Classification: Benign. Last evaluated: 2016-02-17. Review status: criteria provided, single submitter. Criteria: GeneDx Variant Classification (06012015). Collection method: clinical testing. Allele origin: germline. Affected: yes.
Comment: This variant is considered likely benign or benign based on one or more of the following criteria: it is a conservative change, it occurs at a poorly conserved position in the protein, it is predicted to be benign by multiple in silico algorithms, and/or has population frequency not consistent with disease.

Breakthrough Genomics
Classification: Benign. Review status: criteria provided, single submitter. Criteria: ACMG Guidelines, 2015. Collection method: not provided. Allele origin: germline. Inheritance: Autosomal recessive inheritance. Affected: yes.